The following is an entry in ClinVar:

ClinVar aggregate classification (germline): Benign (1 of 4 stars; one submission).

Allele frequency attached by ClinVar (database versions not stated): gnomAD exomes 0.00001; gnomAD 0.00003; 1000 Genomes Project 0.00040; 1000 Genomes Project 30x 0.00047.
gnomAD v4.1: 15 of 1,064,440 alleles (0.0014%); highest among the groups gnomAD compares: Admixed American, 0.037%; no homozygotes.

Submission:

GeneDx
Classification: Benign. Last evaluated: 2014-10-10. Review status: criteria provided, single submitter. Criteria: GeneDx Variant Classification (06012015). Collection method: clinical testing. Allele origin: germline. Affected: yes.
Comment: This variant is considered likely benign or benign based on one or more of the following criteria: it is a conservative change, it occurs at a poorly conserved position in the protein, it is predicted to be benign by multiple in silico algorithms, and/or has population frequency not consistent with disease.

NM_000455.5(STK11):c.*17-8C>T

Gene: STK11 (serine/threonine kinase 11; plus strand). Cytogenetic location: 19p13.3.
Variant type: single nucleotide variant.
Coding change: c.*17-8C>T on transcript NM_000455.5 (MANE Select); 8 bases into the intron before 17 bases downstream of the stop codon, C replaced by T.
Molecular consequence: intron variant.
Genome position (GRCh38, 1-based): chr19:1,227,585, C>T. VCF-style: chr19-1227585-C-T. GRCh37 (hg19) VCF-style: chr19-1227584-C-T.
Identifiers: ClinVar variation 182892 (VCV000182892.2), dbSNP rs554370182, ClinGen allele CA022648.